The following is an entry in ClinVar:

NM_000465.4(BARD1):c.1367T>C (p.Val456Ala)

Gene: BARD1 (BRCA1 associated RING domain 1; minus strand). Cytogenetic location: 2q35.
Variant type: single nucleotide variant.
Coding change: c.1367T>C on transcript NM_000465.4 (MANE Select); coding-DNA position 1367, T replaced by C.
Protein change: p.Val456Ala; replaces valine 456 with alanine.
Molecular consequence: missense variant. On other transcripts: non-coding transcript variant (3), intron variant (3).
Genome position (GRCh38, 1-based): chr2:214,769,260, A>G on the plus strand (T>C on the coding strand, the complement: BARD1 is on the minus strand). VCF-style: chr2-214769260-A-G. GRCh37 (hg19) VCF-style: chr2-215633984-A-G.
Other names: c.1310T>C, p.Val437Ala (NM_001282543.2); c.159-16705T>C (NM_001282548.2); c.216-16705T>C (NM_001282545.2); c.364+23037T>C (NM_001282549.2); short protein forms V456A, V437A.
Identifiers: ClinVar variation 4842589 (VCV004842589.1).

ClinVar aggregate classification (germline): Uncertain significance (1 of 4 stars; one submission).

Conditions:
Hereditary cancer-predisposing syndrome. Also called: Neoplastic Syndromes, Hereditary; Tumor predisposition; Hereditary Cancer Syndrome; Hereditary neoplastic syndrome. Identifiers: Orphanet 140162, MedGen C0027672, MeSH D009386, MONDO:0015356.

Submission:

Ambry Genetics
Classification: Uncertain significance for Hereditary cancer-predisposing syndrome. Last evaluated: 2026-01-03. Review status: criteria provided, single submitter. Criteria: Ambry Variant Classification Scheme 2023. Collection method: clinical testing. Allele origin: germline.
Comment: The p.V456A variant (also known as c.1367T>C), located in coding exon 5 of the BARD1 gene, results from a T to C substitution at nucleotide position 1367. The valine at codon 456 is replaced by alanine, an amino acid with similar properties. This amino acid position is conserved. In addition, this alteration is predicted to be tolerated by in silico analysis. Based on the available evidence, the clinical significance of this variant remains unclear.